The following is an entry in ClinVar:

NM_001378454.1(ALMS1):c.2196C>T (p.Asp732=)

Gene: ALMS1 (ALMS1 centrosome and basal body associated protein; plus strand). Cytogenetic location: 2p13.1.
Variant type: single nucleotide variant.
Coding change: c.2196C>T on transcript NM_001378454.1 (MANE Select); coding-DNA position 2196, C replaced by T.
Protein change: p.Asp732=; no amino-acid change (aspartic acid 732 retained).
Molecular consequence: synonymous variant.
Genome position (GRCh38, 1-based): chr2:73,448,723, C>T. VCF-style: chr2-73448723-C-T. GRCh37 (hg19) VCF-style: chr2-73675850-C-T.
Other names: c.2199C>T, p.Asp733= (NM_015120.4).
Identifiers: ClinVar variation 511740 (VCV000511740.12), dbSNP rs754758293, ClinGen allele CA1713305.
Genomic context (GRCh38, chr2:73,448,723, plus strand): 5'-CTCTACTCCCCACTCACATAGAGAGAAGCCTGGTATTTTTTACCAACAAGAGTTCGCAGA[C>T]AGTCATCAAACTGAAGAGACTCTTACTAAAGTTTCAGCCACTCCTGGACCAGCTGACCAG-3'
Protein context (NP_001365383.1, residues 722-742): PGIFYQQEFA[Asp732=]SHQTEETLTK

ClinVar aggregate classification (germline): Likely benign. Review status: criteria provided, multiple submitters, no conflicts (2 of 4 stars). 4 submissions from 4 submitters: Likely benign (3). 1 of the submissions does not count toward it. Last evaluated 2025-11-24.

Conditions:
Cardiovascular phenotype. Identifiers: MedGen CN230736.
Alstrom syndrome (ALMS). Identifiers: Orphanet 64, MedGen C0268425, MONDO:0008763, OMIM 203800.

Allele frequency attached by ClinVar (database versions not stated): gnomAD 0.00003; TOPMed 0.00004.
gnomAD v4.1: 16 of 1,605,182 alleles (0.001%); highest among the groups gnomAD compares: Admixed American, 0.017%; no homozygotes.

Submissions (4):

Labcorp Genetics (formerly Invitae), Labcorp
Classification: Likely benign for Alstrom syndrome. Last evaluated: 2025-11-24. Review status: criteria provided, single submitter. Criteria: Invitae Variant Classification Sherloc (09022015). Collection method: clinical testing. Allele origin: germline.

Ambry Genetics
Classification: Likely benign for Cardiovascular phenotype. Last evaluated: 2020-07-12. Review status: criteria provided, single submitter. Criteria: Ambry Variant Classification Scheme 2023. Collection method: clinical testing. Allele origin: germline.

GeneDx
Classification: Likely benign. Last evaluated: 2017-08-29. Review status: criteria provided, single submitter. Criteria: GeneDx Variant Classification (06012015). Collection method: clinical testing. Allele origin: germline. Affected: yes.
Comment: This variant is considered likely benign or benign based on one or more of the following criteria: it is a conservative change, it occurs at a poorly conserved position in the protein, it is predicted to be benign by multiple in silico algorithms, and/or has population frequency not consistent with disease.

Counsyl
Classification: Likely benign for Alstrom syndrome. Last evaluated: 2017-01-05. Review status: no assertion criteria provided. Collection method: clinical testing. Allele origin: unknown. Not counted in ClinVar's aggregate classification.